The following is an entry in ClinVar:

ClinVar aggregate classification (germline): Pathogenic (1 of 4 stars; one submission).

Submission:

Labcorp Genetics (formerly Invitae), Labcorp
Classification: Pathogenic. Last evaluated: 2022-02-08. Review status: criteria provided, single submitter. Criteria: Invitae Variant Classification Sherloc (09022015). Collection method: clinical testing. Allele origin: germline.
Comment: This variant is not present in population databases (gnomAD no frequency). For these reasons, this variant has been classified as Pathogenic. This variant has not been reported in the literature in individuals affected with ADGRG1-related conditions. This sequence change creates a premature translational stop signal (p.Gln300Profs*11) in the ADGRG1 gene. It is expected to result in an absent or disrupted protein product. Loss-of-function variants in ADGRG1 are known to be pathogenic (PMID: 15044805, 20929962).

Literature cited by the submitters: PubMed 15044805; PubMed 20929962.

NM_201525.4(ADGRG1):c.896dup (p.Gln300fs)

Gene: ADGRG1 (adhesion G protein-coupled receptor G1; plus strand). Cytogenetic location: 16q21.
Variant type: Duplication.
Coding change: c.896dup on transcript NM_201525.4 (MANE Select); coding-DNA position 896, one base duplicated (T; older notation c.896dupT).
Protein change: p.Gln300fs; shifts the reading frame from glutamine 300.
Molecular consequence: frameshift variant.
Genome position (GRCh38, 1-based): chr16:57,655,526, T duplicated; the last of 2 consecutive T bases (chr16:57,655,525-57,655,526); duplicating either gives the same sequence. VCF-style (leftmost placement, unchanged base first): chr16-57655524-G-GT. GRCh37 (hg19) VCF-style: chr16-57689436-G-GT.
Other names: c.896dup, p.Gln300fs (NM_001145770.3, NM_001145771.3, NM_001145772.3 and 16 more transcripts); c.911dup, p.Gln305fs (NM_001145773.3, NM_001370433.1); c.386dup, p.Gln130fs (NM_001290142.2); c.371dup, p.Gln125fs (NM_001290143.2, NM_001370451.1, NM_001370453.1 and 2 more transcripts); c.740dup, p.Gln248fs (NM_001370442.1); short protein forms Q125fs, Q130fs, Q300fs, Q305fs, Q248fs.
Identifiers: ClinVar variation 2094569 (VCV002094569.4), dbSNP rs2545316118, ClinGen allele CA2580091726.